The following is an entry in ClinVar:

NM_004006.3(DMD):c.650-1827_771del

Gene: DMD (dystrophin; minus strand). Cytogenetic location: Xp21.1.
Variant type: Deletion.
Coding change: c.650-1827_771del on transcript NM_004006.3 (MANE Select); 1827 bases into the intron before coding-DNA position 650 through coding-DNA position 771, 1,949 bases deleted.
Molecular consequence: splice acceptor variant.
Genome position (GRCh38, 1-based): chrX:32,699,172-32,701,120, 1,949 bases deleted. GRCh37 (hg19): chrX:32,717,290-32,719,238.
Other names: c.626-1827_747del (NM_000109.4); c.638-1827_759del (NM_004009.3); c.281-1827_402del (NM_004010.3).
Identifiers: ClinVar variation 581591 (VCV000581591.1), ClinGen allele CA891844210.

ClinVar aggregate classification (germline): Pathogenic (1 of 4 stars; one submission).

Conditions:
Duchenne muscular dystrophy (DMD). Also called: MUSCULAR DYSTROPHY, PSEUDOHYPERTROPHIC PROGRESSIVE, DUCHENNE TYPE; Duchenne Muscular Dystrophy (DMD). Identifiers: Orphanet 98896, MedGen C0013264, MONDO:0010679, OMIM 310200.

Submission:

Labcorp Genetics (formerly Invitae), Labcorp
Classification: Pathogenic for Duchenne muscular dystrophy. Last evaluated: 2018-03-07. Review status: criteria provided, single submitter. Criteria: Invitae Variant Classification Sherloc (09022015). Collection method: clinical testing. Allele origin: germline.
Comment: This variant is a gross deletion of the genomic region encompassing a portion of exon 8 of the DMD gene, including the intron 7-exon 8 boundary (c.650-1828_770del). This is expected to create a premature translational stop signal and result in an absent or disrupted protein product. This variant has not been reported in the literature in individuals with DMD-related disease. Loss-of-function variants in DMD are known to be pathogenic (PMID: 16770791, 25007885). For these reasons, this variant has been classified as Pathogenic.